The following is an entry in ClinVar:

ClinVar aggregate classification (germline): Uncertain significance. Review status: criteria provided, multiple submitters, no conflicts (2 of 4 stars). 2 submissions from 2 submitters: Uncertain significance (2). Last evaluated 2025-06-24.

Allele frequency attached by ClinVar (database versions not stated): gnomAD exomes 0.00002; TOPMed 0.00003; gnomAD 0.00003; ESP Exome Variant Server 0.00008; ExAC 0.00001.
gnomAD v4.1: 37 of 1,612,300 alleles (0.0023%); highest among the groups gnomAD compares: African/African-American, 0.0067%; no homozygotes.

Submissions (2):

GeneDx
Classification: Uncertain significance. Last evaluated: 2025-06-24. Review status: criteria provided, single submitter. Criteria: GeneDx Variant Classification Process June 2021. Collection method: clinical testing. Allele origin: germline. Affected: yes.
Comment: Has not been previously published as pathogenic or benign to our knowledge; Not observed at significant frequency in large population cohorts (gnomAD); In silico analysis suggests that this missense variant does not alter protein structure/function; This variant is associated with the following publications: (PMID: 25471517)

Athena Diagnostics
Classification: Uncertain significance. Last evaluated: 2020-04-03. Review status: criteria provided, single submitter. Criteria: Athena Diagnostics Criteria. Collection method: clinical testing. Allele origin: unknown.

NM_005051.3(QARS1):c.674G>A (p.Arg225Gln)

Gene: QARS1 (glutaminyl-tRNA synthetase 1; minus strand). Cytogenetic location: 3p21.31.
Variant type: single nucleotide variant.
Coding change: c.674G>A on transcript NM_005051.3 (MANE Select); coding-DNA position 674, G replaced by A.
Protein change: p.Arg225Gln; replaces arginine 225 with glutamine.
Molecular consequence: missense variant. On other transcripts: non-coding transcript variant (1).
Genome position (GRCh38, 1-based): chr3:49,101,857, C>T on the plus strand (G>A on the coding strand, the complement: QARS1 is on the minus strand). VCF-style: chr3-49101857-C-T. GRCh37 (hg19) VCF-style: chr3-49139290-C-T.
Other names: c.641G>A, p.Arg214Gln (NM_001272073.2); c.674G>A (NM_005051.2); short protein forms R214Q, R225Q.
Identifiers: ClinVar variation 995220 (VCV000995220.2), dbSNP rs138456917, ClinGen allele CA2392061.